The following is an entry in ClinVar:

ClinVar aggregate classification (germline): Benign/Likely benign. Review status: criteria provided, multiple submitters, no conflicts (2 of 4 stars). 8 submissions from 8 submitters: Benign (1); Likely benign (7). Last evaluated 2026-02-01.

Conditions:
BAP1-related disorder. Also called: BAP1-related condition.
Hereditary cancer-predisposing syndrome. Also called: Neoplastic Syndromes, Hereditary; Hereditary Cancer Syndrome; Tumor predisposition; Hereditary neoplastic syndrome. Identifiers: Orphanet 140162, MedGen C0027672, MeSH D009386, MONDO:0015356.
BAP1-related tumor predisposition syndrome (TPDS1). Also called: Tumor susceptibility linked to germline BAP1 mutations; COMMON Syndrome; BAP1 tumor predisposition syndrome; TUMOR PREDISPOSITION SYNDROME 1. Identifiers: Orphanet 289539, MedGen C3280492, MONDO:0013692, OMIM 614327.

Allele frequency attached by ClinVar (database versions not stated): ExAC 0.00002; gnomAD exomes 0.00002 and 0.00004; TOPMed 0.00002; gnomAD 0.00003; ESP Exome Variant Server 0.00008.
gnomAD v4.1: 56 of 1,614,124 alleles (0.0035%); highest among the groups gnomAD compares: Non-Finnish European, 0.0046%; no homozygotes.

Submissions (8):

Labcorp Genetics (formerly Invitae), Labcorp
Classification: Likely benign for BAP1-related tumor predisposition syndrome. Last evaluated: 2026-02-01. Review status: criteria provided, single submitter. Criteria: Invitae Variant Classification Sherloc (09022015). Collection method: clinical testing. Allele origin: germline.

PreventionGenetics, part of Exact Sciences
Classification: Likely benign for BAP1-related condition. Last evaluated: 2025-05-03. Review status: criteria provided, single submitter. Criteria: ACMG Guidelines, 2015. Collection method: clinical testing. Allele origin: germline.
Comment: This variant is classified as likely benign based on ACMG/AMP sequence variant interpretation guidelines (Richards et al. 2015 PMID: 25741868, with internal and published modifications).

Center for Genomic Medicine, Rigshospitalet, Copenhagen University Hospital
Classification: Likely benign. Last evaluated: 2025-03-04. Review status: criteria provided, single submitter. Criteria: ACMG Guidelines, 2015. Collection method: clinical testing. Allele origin: germline.

Ambry Genetics
Classification: Likely benign for Hereditary cancer-predisposing syndrome. Last evaluated: 2024-09-24. Review status: criteria provided, single submitter. Criteria: Ambry Variant Classification Scheme 2023. Collection method: clinical testing. Allele origin: germline.

Myriad Genetics, Inc.
Classification: Benign for BAP1-related tumor predisposition syndrome. Last evaluated: 2024-07-17. Review status: criteria provided, single submitter. Criteria: Myriad Autosomal Dominant, Autosomal Recessive and X-Linked Classification Criteria (2023). Collection method: clinical testing. Allele origin: unknown.
Comment: This variant is considered benign. This variant is a silent/synonymous amino acid change and it is not expected to impact splicing.

Sema4
Classification: Likely benign for Hereditary cancer-predisposing syndrome. Last evaluated: 2021-07-28. Review status: criteria provided, single submitter. Criteria: Sema4 Curation Guidelines. Collection method: curation. Allele origin: germline.

GeneDx
Classification: Likely benign. Last evaluated: 2021-06-17. Review status: criteria provided, single submitter. Criteria: GeneDx Variant Classification Process June 2021. Collection method: clinical testing. Allele origin: germline. Affected: yes.
Comment: This variant is associated with the following publications: (PMID: 26452128)

Color Diagnostics, LLC DBA Color Health
Classification: Likely benign for Hereditary cancer-predisposing syndrome. Last evaluated: 2016-11-18. Review status: criteria provided, single submitter. Criteria: ACMG Guidelines, 2015. Collection method: clinical testing. Allele origin: germline.

NM_004656.4(BAP1):c.1944G>A (p.Ala648=)

Gene: BAP1 (BRCA1 associated deubiquitinase 1; minus strand). Cytogenetic location: 3p21.1.
Variant type: single nucleotide variant.
Coding change: c.1944G>A on transcript NM_004656.4 (MANE Select); coding-DNA position 1944, G replaced by A.
Protein change: p.Ala648=; no amino-acid change (alanine 648 retained).
Molecular consequence: synonymous variant.
Genome position (GRCh38, 1-based): chr3:52,402,818, C>T on the plus strand (G>A on the coding strand, the complement: BAP1 is on the minus strand). VCF-style: chr3-52402818-C-T. GRCh37 (hg19) VCF-style: chr3-52436834-C-T.
Other names: c.1944G>A (LRG_529t1).
Identifiers: ClinVar variation 472686 (VCV000472686.23), dbSNP rs150494756, ClinGen allele CA2436655.